The following is an entry in ClinVar:

NM_000135.4(FANCA):c.2567T>G (p.Leu856Trp)

Gene: FANCA (FA complementation group A; minus strand). Cytogenetic location: 16q24.3.
Variant type: single nucleotide variant.
Coding change: c.2567T>G on transcript NM_000135.4 (MANE Select); coding-DNA position 2567, T replaced by G.
Protein change: p.Leu856Trp; replaces leucine 856 with tryptophan.
Molecular consequence: missense variant.
Genome position (GRCh38, 1-based): chr16:89,767,175, A>C on the plus strand (T>G on the coding strand, the complement: FANCA is on the minus strand). VCF-style: chr16-89767175-A-C. GRCh37 (hg19) VCF-style: chr16-89833583-A-C.
Other names: c.2567T>G, p.Leu856Trp (NM_001286167.3); short protein forms L856W.
Identifiers: ClinVar variation 3512714 (VCV003512714.1).

ClinVar aggregate classification (germline): Uncertain significance (1 of 4 stars; one submission).

Conditions:
Inborn genetic diseases. Identifiers: MedGen C0950123, MeSH D030342.

gnomAD v4.1: 1 of 1,613,898 alleles (0.000062%); highest among the groups gnomAD compares: Non-Finnish European, 0.000085%; no homozygotes.

Submission:

Ambry Genetics
Classification: Uncertain significance for Inborn genetic diseases. Last evaluated: 2024-12-06. Review status: criteria provided, single submitter. Criteria: Ambry Variant Classification Scheme 2023. Collection method: clinical testing. Allele origin: germline.
Comment: The p.L856W variant (also known as c.2567T>G), located in coding exon 27 of the FANCA gene, results from a T to G substitution at nucleotide position 2567. The leucine at codon 856 is replaced by tryptophan, an amino acid with similar properties. This amino acid position is conserved. In addition, this alteration is predicted to be tolerated by in silico analysis. Based on the available evidence, the clinical significance of this variant remains unclear.